The following is an entry in ClinVar:

ClinVar aggregate classification (germline): Uncertain significance (1 of 4 stars; one submission).

Allele frequency attached by ClinVar (database versions not stated): gnomAD exomes below 0.00001.
gnomAD v4.1: 1 of 1,614,080 alleles (0.000062%); highest among the groups gnomAD compares: Non-Finnish European, 0.000085%; no homozygotes.

Submission:

Labcorp Genetics (formerly Invitae), Labcorp
Classification: Uncertain significance. Last evaluated: 2023-08-19. Review status: criteria provided, single submitter. Criteria: Invitae Variant Classification Sherloc (09022015). Collection method: clinical testing. Allele origin: germline.
Comment: In summary, the available evidence is currently insufficient to determine the role of this variant in disease. Therefore, it has been classified as a Variant of Uncertain Significance. An algorithm developed to predict the effect of missense changes on protein structure and function (PolyPhen-2) suggests that this variant is likely to be disruptive. This variant has not been reported in the literature in individuals affected with FBLN5-related conditions. This variant is not present in population databases (gnomAD no frequency). This sequence change replaces proline, which is neutral and non-polar, with leucine, which is neutral and non-polar, at codon 70 of the FBLN5 protein (p.Pro70Leu).

NM_006329.4(FBLN5):c.209C>T (p.Pro70Leu)

Gene: FBLN5 (fibulin 5; minus strand). Cytogenetic location: 14q32.12.
Variant type: single nucleotide variant.
Coding change: c.209C>T on transcript NM_006329.4 (MANE Select); coding-DNA position 209, C replaced by T.
Protein change: p.Pro70Leu; replaces proline 70 with leucine.
Molecular consequence: missense variant.
Genome position (GRCh38, 1-based): chr14:91,937,117, G>A on the plus strand (C>T on the coding strand, the complement: FBLN5 is on the minus strand). VCF-style: chr14-91937117-G-A. GRCh37 (hg19) VCF-style: chr14-92403461-G-A.
Other names: c.332C>T, p.Pro111Leu (NM_001384158.1); c.260C>T, p.Pro87Leu (NM_001384159.1); c.209C>T, p.Pro70Leu (NM_001384160.1); c.41C>T, p.Pro14Leu (NM_001384161.1, NM_001384162.1); short protein forms P14L, P70L, P87L, P111L.
Identifiers: ClinVar variation 2754076 (VCV002754076.3), dbSNP rs1595347356, ClinGen allele CA390639942.